The following is an entry in ClinVar:

ClinVar aggregate classification (germline): Uncertain significance. Review status: criteria provided, multiple submitters, no conflicts (2 of 4 stars). 2 submissions from 2 submitters: Uncertain significance (2). Last evaluated 2023-11-06.

Conditions:
Colorectal cancer, hereditary nonpolyposis, type 7. Identifiers: Orphanet 144, MedGen C1858380, MONDO:0013725, OMIM 614385.

Submissions (2):

Ambry Genetics
Classification: Uncertain significance. Last evaluated: 2023-11-06. Review status: criteria provided, single submitter. Criteria: Ambry Variant Classification Scheme 2023. Collection method: clinical testing. Allele origin: germline.
Comment: The p.A1426S variant (also known as c.4276G>T), located in coding exon 12 of the MLH3 gene, results from a G to T substitution at nucleotide position 4276. The alanine at codon 1426 is replaced by serine, an amino acid with similar properties. This amino acid position is conserved. In addition, this alteration is predicted to be tolerated by in silico analysis. Since supporting evidence is limited at this time, the clinical significance of this alteration remains unclear.

Labcorp Genetics (formerly Invitae), Labcorp
Classification: Uncertain significance for Colorectal cancer, hereditary nonpolyposis, type 7. Last evaluated: 2022-05-06. Review status: criteria provided, single submitter. Criteria: Invitae Variant Classification Sherloc (09022015). Collection method: clinical testing. Allele origin: germline.
Comment: Algorithms developed to predict the effect of missense changes on protein structure and function (SIFT, PolyPhen-2, Align-GVGD) all suggest that this variant is likely to be tolerated. This variant has not been reported in the literature in individuals affected with MLH3-related conditions. This variant is not present in population databases (gnomAD no frequency). This sequence change replaces alanine, which is neutral and non-polar, with serine, which is neutral and polar, at codon 1426 of the MLH3 protein (p.Ala1426Ser). In summary, the available evidence is currently insufficient to determine the role of this variant in disease. Therefore, it has been classified as a Variant of Uncertain Significance.

NM_001040108.2(MLH3):c.4276G>T (p.Ala1426Ser)

Gene: MLH3 (mutL homolog 3; minus strand). Cytogenetic location: 14q24.3.
Variant type: single nucleotide variant.
Coding change: c.4276G>T on transcript NM_001040108.2 (MANE Select); coding-DNA position 4276, G replaced by T.
Protein change: p.Ala1426Ser; replaces alanine 1426 with serine.
Molecular consequence: missense variant.
Genome position (GRCh38, 1-based): chr14:75,017,168, C>A on the plus strand (G>T on the coding strand, the complement: MLH3 is on the minus strand). VCF-style: chr14-75017168-C-A. GRCh37 (hg19) VCF-style: chr14-75483871-C-A.
Other names: c.4204G>T, p.Ala1402Ser (NM_014381.3); short protein forms A1426S, A1402S.
Identifiers: ClinVar variation 2187851 (VCV002187851.5), dbSNP rs753388082, ClinGen allele CA390418061.